The following is an entry in ClinVar:

ClinVar aggregate classification (germline): Uncertain significance. Review status: criteria provided, multiple submitters, no conflicts (2 of 4 stars). 2 submissions from 2 submitters: Uncertain significance (2). Last evaluated 2020-12-07.

Submissions (2):

Women's Health and Genetics/Laboratory Corporation of America, LabCorp
Classification: Uncertain significance. Last evaluated: 2020-12-07. Review status: criteria provided, single submitter. Criteria: LabCorp Variant Classification Summary - May 2015. Collection method: clinical testing. Allele origin: germline.
Comment: Variant summary: GJB2 c.9G>T (p.Trp3Cys) results in a non-conservative amino acid change in the encoded protein sequence. Five of five in-silico tools predict a damaging effect of the variant on protein function. The variant was absent in 249290 control chromosomes. The available data on variant occurrences in the general population are insufficient to allow any conclusion about variant significance. To our knowledge, no occurrence of c.9G>T in individuals affected with Non-Syndromic Hearing Loss and no experimental evidence demonstrating its impact on protein function have been reported. No clinical diagnostic laboratories have submitted clinical-significance assessments for this variant to ClinVar after 2014. Based on the evidence outlined above, the variant was classified as uncertain significance.

Athena Diagnostics
Classification: Uncertain significance. Last evaluated: 2020-11-27. Review status: criteria provided, single submitter. Criteria: Athena Diagnostics criteria. Collection method: clinical testing. Allele origin: unknown.

NM_004004.6(GJB2):c.9G>T (p.Trp3Cys)

Gene: GJB2 (gap junction protein beta 2; minus strand). Cytogenetic location: 13q12.11.
Variant type: single nucleotide variant.
Coding change: c.9G>T on transcript NM_004004.6 (MANE Select); coding-DNA position 9, G replaced by T.
Protein change: p.Trp3Cys; replaces tryptophan 3 with cysteine.
Molecular consequence: missense variant.
Genome position (GRCh38, 1-based): chr13:20,189,573, C>A on the plus strand (G>T on the coding strand, the complement: GJB2 is on the minus strand). VCF-style: chr13-20189573-C-A. GRCh37 (hg19) VCF-style: chr13-20763712-C-A.
Other names: short protein forms W3C.
Identifiers: ClinVar variation 992242 (VCV000992242.2), dbSNP rs111033401, ClinGen allele CA387462278.